The following is an entry in ClinVar:

ClinVar aggregate classification (germline): Benign/Likely benign. Review status: criteria provided, multiple submitters, no conflicts (2 of 4 stars). 4 submissions from 4 submitters: Benign (3); Likely benign (1). Last evaluated 2026-06-01.

Allele frequency attached by ClinVar (database versions not stated): 1000 Genomes Project 0.00419; 1000 Genomes Project 30x 0.00422; TOPMed 0.00580; ESP Exome Variant Server 0.00685; gnomAD 0.00792 and 0.00817; ExAC 0.00867; gnomAD exomes 0.00924 and 0.00993.
gnomAD v4.1: 15,590 of 1,605,342 alleles (0.97%); highest among the groups gnomAD compares: Middle Eastern, 1.6%; 115 homozygotes.

Submissions (4):

CeGaT Center for Human Genetics Tuebingen
Classification: Benign. Last evaluated: 2026-06-01. Review status: criteria provided, single submitter. Criteria: CeGaT Center For Human Genetics Tuebingen Variant Classification Criteria Version 2. Collection method: clinical testing. Allele origin: germline. Affected: yes. Observed: 1 variant allele.
Comment: NAV3: BP4, BS1, BS2

Genomic Medicine Center of Excellence, King Faisal Specialist Hospital and Research Centre
Classification: Likely benign. Last evaluated: 2025-08-18. Review status: criteria provided, single submitter. Criteria: ACMG Guidelines, 2015. Collection method: clinical testing. Allele origin: germline.

Labcorp Genetics (formerly Invitae), Labcorp
Classification: Benign. Last evaluated: 2018-06-08. Review status: criteria provided, single submitter. Criteria: Invitae Variant Classification Sherloc (09022015). Collection method: clinical testing. Allele origin: germline.

Breakthrough Genomics
Classification: Benign. Review status: criteria provided, single submitter. Criteria: ACMG Guidelines, 2015. Collection method: not provided. Allele origin: germline. Inheritance: Unknown mechanism. Affected: yes.

NM_001024383.2(NAV3):c.487+8A>G

Gene: NAV3 (neuron navigator 3; plus strand). Cytogenetic location: 12q21.2.
Variant type: single nucleotide variant.
Coding change: c.487+8A>G on transcript NM_001024383.2 (MANE Select); 8 bases into the intron after coding-DNA position 487, A replaced by G.
Molecular consequence: intron variant.
Genome position (GRCh38, 1-based): chr12:77,966,309, A>G. VCF-style: chr12-77966309-A-G. GRCh37 (hg19) VCF-style: chr12-78360089-A-G.
Other names: c.487+8A>G (NM_014903.6).
Identifiers: ClinVar variation 774821 (VCV000774821.7), dbSNP rs118149283, ClinGen allele CA6696816.
Genomic context (GRCh38, chr12:77,966,309, plus strand): 5'-CCTTAGTTTTCTAGCAGCCAGAGGGGTAAATGTTCAAGGTCTATCTGCTGAAGGTAAGAA[A>G]AAGAATGACTGAATTGTCACAAATGGCATCAATGTTTTTAAATTATTTTTTATAATGTAA-3'